The following continues an entry in ClinVar:

NM_001048174.2(MUTYH):c.205C>T (p.Arg69Ter)

Gene: MUTYH. ClinVar aggregate classification (germline): Pathogenic. Pathogenic (14).

Submissions 11 to 14 of 14:

Illumina Laboratory Services, Illumina
Classification: Pathogenic for Familial adenomatous polyposis 2. Last evaluated: 2017-04-28. Review status: criteria provided, single submitter. Criteria: ICSL Variant Classification Criteria 09 May 2019. Collection method: clinical testing. Allele origin: germline.
Comment: The MUTYH c.247C>T (p.Arg83Ter) variant, also reported as c.289C>T (p.Arg97Ter), is a stop-gained variant that is predicted to result in premature termination of the protein. The p.Arg83Ter variant has been reported in at least six studies in which it is found in at least six individuals with MYH-associated polyposis, including in two in a homozygous state, in two in a compound heterozygous state with a missense variant on the second allele, and in two in a heterozygous state with a second variant remaining undetected (Sieber et al. 2003; Aretz et al. 2006; Olschwang et al. 2007; Steinke et al. 2008; Filipe et al. 2009; Morak et al. 2010). One of the individuals who was heterozygous for the p.Arg83Ter variant also carried a known pathogenic variant in the MSH6 gene in a heterozygous state (Steinke et al. 2008). The p.Arg83Ter variant was absent from 446 control chromosomes but is reported at a frequency of 0.00023 in the African American population from the Exome Sequencing Project. This is based on two alleles in a region of good sequence coverage so the variant is presumed to be rare. In vitro functional studies demonstrated that the adenine DNA glycosylase activity of the p.Arg83Ter variant protein was similar to background levels and severely impaired compared to wild type (Goto et al. 2010). Based on the evidence from the literature and the potential impact of stop-gained variants, the p.Arg83Ter variant is classified as pathogenic for MYH-associated polyposis. This variant was observed by ICSL as part of a predisposition screen in an ostensibly healthy population.

Quest Diagnostics Nichols Institute San Juan Capistrano
Classification: Pathogenic. Last evaluated: 2017-03-29. Review status: criteria provided, single submitter. Criteria: Quest Diagnostics criteria. Collection method: clinical testing. Allele origin: germline.

Laboratory for Molecular Medicine, Mass General Brigham Personalized Medicine
Classification: Pathogenic for Familial adenomatous polyposis 2. Last evaluated: 2016-06-13. Review status: criteria provided, single submitter. Criteria: ACMG Guidelines, 2015. Collection method: clinical testing. Allele origin: germline. Inheritance: Autosomal recessive inheritance.
Comment: The p.Arg94X (also known as p.Arg97X or p.Arg83X) variant in MUTYH has been previously reported as compound heterozygous in one individual with MUTYH-related attenuated familial adenomatous polyposis (FAP); as heterozygous in one individual with FAP; and as double heterozygous with a disease causing MSH6 variant in one individual with HNPCC (Seiber 2003, Steinke 2008, Vogt 2009). It has also been identified in 2/16512 of South Asian chromosomes by the Exome Aggregation Consortium (ExAC; dbSNP rs138775799). This frequency is low enough to be consistent with the frequency of MUTYH-related attenuated FAP in the general population. This nonsense variant leads to a premature termination codon at position 94, which is predicted to lead to a truncated or absent protein. Homozygous loss of function of the MUTYH gene is an established disease mechanism in individuals with MUTYH-related attenuated FAP. In vitro functional studies provide some evidence that the p.Arg94X variant may impact protein function (Goto 2010). In summary, this variant meets our criteria to be classified as pathogenic for MUTYH-related attenuated FAP in an autosomal recessive manner based on the predicted impact of the variant.

Juno Genomics, Hangzhou Juno Genomics, Inc
Classification: Pathogenic for Familial adenomatous polyposis 2; Gastric cancer. Review status: criteria provided, single submitter. Criteria: ACMG Guidelines, 2015. Collection method: clinical testing. Allele origin: germline.
Comment: Absent from controls (or at extremely low frequency if recessive) in Genome Aggregation Database.;Null variant in a gene where loss of function (LOF) is a known mechanism of disease.;For recessive disorders, detected in trans with a pathogenic variant.

Literature cited by the submitters: PubMed 18534194 (cited by Labcorp Genetics (formerly Invitae), Labcorp); PubMed 20663686 (cited by Labcorp Genetics (formerly Invitae), Labcorp); PubMed 12606733 (cited by 4 submitters); PubMed 17949294 (cited by 3 submitters); PubMed 19732775 (cited by 3 submitters); PubMed 19793053 (cited by 5 submitters); PubMed 20618354 (cited by 5 submitters); PubMed 18301448 (cited by 3 submitters); PubMed 16557584 (cited by Women's Health and Genetics/Laboratory Corporation of America, LabCorp and Illumina Laboratory Services, Illumina); PubMed 19032956 (cited by Women's Health and Genetics/Laboratory Corporation of America, LabCorp); PubMed 20848659 (cited by 3 submitters); PubMed 19394335 (cited by Women's Health and Genetics/Laboratory Corporation of America, LabCorp).